The following is an entry in ClinVar:

ClinVar aggregate classification (germline): Likely pathogenic. Review status: criteria provided, multiple submitters, no conflicts (2 of 4 stars). 2 submissions from 2 submitters: Likely pathogenic (2). Last evaluated 2025-10-15.

Conditions:
Hereditary insensitivity to pain with anhidrosis (CIPA). Also called: INSENSITIVITY TO PAIN, CONGENITAL, WITH ANHIDROSIS; FAMILIAL DYSAUTONOMIA, TYPE II; NEUROPATHY, CONGENITAL SENSORY, WITH ANHIDROSIS; HSAN Type IV; hereditary sensory and autonomic neuropathy type 4; NTRK1 Congenital Insensitivity to Pain with Anhidrosis. Identifiers: Orphanet 642, MedGen C0020074, MONDO:0009746, OMIM 256800.

Submissions (2):

Sfax Medical Genetics Laboratory, Laboratoire Ksentini
Classification: Likely pathogenic for Hereditary insensitivity to pain with anhidrosis. Last evaluated: 2025-10-15. Review status: criteria provided, single submitter. Criteria: ACMG Guidelines, 2015. Collection method: clinical testing. Allele origin: unknown. Inheritance: Autosomal recessive inheritance. Affected: yes. Observed: 1 homozygote.
Comment: The NTRK1:c.2099T>C variant results in the substitution of leucine by proline at codon 700. This variant is absent in gnomAD v4.1.0 database (PM2). Pathogenicity prediction algorithms report this variant as deleterious (REVEL: 0.82) (PP3_moderate). This variant has been reported in homozygous state in an individual with NTRK1-related disorders (PMID: 28328124) (PM3_supporting). Phenotype observed is specific and consistent with the disorder associated with the NTRK1 gene (Insensitivity to pain, anhidrosis) (PP4). In summary, the NTRK1:c.2099T>C, p.(L700P) variant meets criteria to be classified as likely pathogenic: PM2, PP3_moderate, PM3_supporting, PP4.

Genomic Medicine Center of Excellence, King Faisal Specialist Hospital and Research Centre
Classification: Likely pathogenic for Insensitivity to pain, congenital, with anhidrosis. Last evaluated: 2024-03-14. Review status: criteria provided, single submitter. Criteria: ACMG Guidelines, 2015. Collection method: clinical testing. Allele origin: germline.

Literature cited by the submitters: PubMed 28328124 (cited by Sfax Medical Genetics Laboratory, Laboratoire Ksentini).

NM_002529.4(NTRK1):c.2099T>C (p.Leu700Pro)

Gene: NTRK1 (neurotrophic receptor tyrosine kinase 1; plus strand). Cytogenetic location: 1q23.1.
Variant type: single nucleotide variant.
Coding change: c.2099T>C on transcript NM_002529.4 (MANE Select); coding-DNA position 2099, T replaced by C.
Protein change: p.Leu700Pro; replaces leucine 700 with proline.
Molecular consequence: missense variant.
Genome position (GRCh38, 1-based): chr1:156,880,051, T>C. VCF-style: chr1-156880051-T-C. GRCh37 (hg19) VCF-style: chr1-156849843-T-C.
Other names: c.2099T>C, p.Leu700Pro (NM_001007204.1); c.1991T>C, p.Leu664Pro (NM_001007792.1); c.2081T>C, p.Leu694Pro (NM_001012331.2); short protein forms L664P, L694P, L700P.
Identifiers: ClinVar variation 3233389 (VCV003233389.1), dbSNP rs2102927340, ClinGen allele CA342940356.